The following is an entry in ClinVar:

NM_000642.3(AGL):c.1885G>A (p.Glu629Lys)

Gene: AGL (amylo-alpha-1,6-glucosidase and 4-alpha-glucanotransferase; plus strand). Cytogenetic location: 1p21.2.
Variant type: single nucleotide variant.
Coding change: c.1885G>A on transcript NM_000642.3 (MANE Select); coding-DNA position 1885, G replaced by A.
Protein change: p.Glu629Lys; replaces glutamic acid 629 with lysine.
Molecular consequence: missense variant.
Genome position (GRCh38, 1-based): chr1:99,880,781, G>A. VCF-style: chr1-99880781-G-A. GRCh37 (hg19) VCF-style: chr1-100346337-G-A.
Other names: c.1885G>A, p.Glu629Lys (NM_000028.3, NM_000643.3, NM_000644.3 and 2 more transcripts); c.1837G>A, p.Glu613Lys (NM_000646.3); c.1684G>A, p.Glu562Lys (NM_001425327.1); c.1681G>A, p.Glu561Lys (NM_001425328.1, NM_001425329.1); c.1507G>A, p.Glu503Lys (NM_001425332.1); short protein forms E629K, E613K, E503K, E561K, E562K.
Identifiers: ClinVar variation 289630 (VCV000289630.31), dbSNP rs146041189, ClinGen allele CA966613.

ClinVar aggregate classification (germline): Conflicting classifications of pathogenicity. Review status: criteria provided, conflicting classifications (1 of 4 stars). 10 submissions from 10 submitters: Uncertain significance (5); Likely benign (3). 2 of the submissions do not count toward it. Last evaluated 2026-04-27.

Conditions:
Glycogen storage disease type III (GSD3). Also called: FORBES DISEASE; Cori disease. Identifiers: Orphanet 366, MedGen C0017922, MONDO:0009291, OMIM 232400.
AGL-related disorder. Also called: AGL-related condition.

Allele frequency attached by ClinVar (database versions not stated): gnomAD exomes 0.00011 and 0.00037; ExAC 0.00053; gnomAD 0.00148 and 0.00160; 1000 Genomes Project 30x 0.00156; 1000 Genomes Project 0.00160; TOPMed 0.00161; ESP Exome Variant Server 0.00192.
gnomAD v4.1: 407 of 1,613,954 alleles (0.025%); highest among the groups gnomAD compares: African/African-American, 0.48%; no homozygotes.

Submissions (10):

Clinical Genomics Laboratory, Washington University in St. Louis
Classification: Uncertain significance for Glycogen storage disease type III. Last evaluated: 2026-04-27. Review status: criteria provided, single submitter. Criteria: ACMG Guidelines, 2015. Collection method: clinical testing. Allele origin: germline.
Comment: An AGL c.1885G>A (p.Glu629Lys) variant was identified in a heterozygous state. This variant, to our knowledge, has not been reported in the medical literature. This variant has been reported in the ClinVar database as a germline likely benign variant by several submitters and uncertain significance by three submitters (Variation ID: 289630). It is observed in 146/282,700 alleles in the general population (gnomAD v2.1.1). Computational predictors indicate that the variant is damaging, evidence that correlates with impact to AGL function. Due to limited information, and based on ACMG/AMP guidelines for variant interpretation (Richards S et al., PMID: 25741868), the clinical significance of this variant is uncertain at this time.

Labcorp Genetics (formerly Invitae), Labcorp
Classification: Likely benign for Glycogen storage disease type III. Last evaluated: 2026-02-03. Review status: criteria provided, single submitter. Criteria: Invitae Variant Classification Sherloc (09022015). Collection method: clinical testing. Allele origin: germline.

Mayo Clinic Laboratories, Mayo Clinic
Classification: Uncertain significance. Last evaluated: 2025-09-25. Review status: criteria provided, single submitter. Criteria: ACMG Guidelines, 2015. Collection method: clinical testing. Allele origin: germline. Observed: 4 variant alleles.
Comment: BS1, PP3

ARUP Laboratories, Molecular Genetics and Genomics, ARUP Laboratories
Classification: Uncertain significance. Last evaluated: 2024-12-07. Review status: criteria provided, single submitter. Criteria: ARUP Molecular Germline Variant Investigation Process 2024. Collection method: clinical testing. Allele origin: germline.
Comment: The AGL c.1885G>A; p.Glu629Lys variant (rs146041189), to our knowledge, is not reported in the medical literature but is reported in ClinVar (Variation ID: 289630). This variant is observed in the general population with an overall allele frequency of 0.05% (146/282700 alleles) in the Genome Aggregation Database (v2.1.1). Computational analyses are uncertain whether this variant is neutral or deleterious (REVEL: 0.646). While the high population frequency suggests that this is likely a benign variant, given the lack of clinical and functional data, the significance of this variant is uncertain at this time.

Blueprint Genetics
Classification: Uncertain significance. Last evaluated: 2024-10-08. Review status: criteria provided, single submitter. Criteria: ACMG Guidelines, 2015. Collection method: clinical testing. Allele origin: germline.

Genome-Nilou Lab
Classification: Likely benign for Glycogen storage disease type III. Last evaluated: 2021-07-15. Review status: criteria provided, single submitter. Criteria: ACMG Guidelines, 2015. Collection method: clinical testing. Allele origin: germline. Affected: no.

GeneDx
Classification: Likely benign. Last evaluated: 2020-05-14. Review status: criteria provided, single submitter. Criteria: GeneDx Variant Classification Process June 2021. Collection method: clinical testing. Allele origin: germline. Affected: yes.
Comment: In silico analysis, which includes protein predictors and evolutionary conservation, supports that this variant does not alter protein structure/function; Has not been previously published as pathogenic or benign to our knowledge

Eurofins Ntd Llc (ga)
Classification: Uncertain significance. Last evaluated: 2016-08-10. Review status: criteria provided, single submitter. Criteria: EGL Classification Definitions 2015. Collection method: clinical testing. Allele origin: germline. Observed: 1 variant allele, 1 heterozygote.

Natera, Inc.
Classification: Likely benign for Glycogen storage disease type III. Last evaluated: 2020-09-16. Review status: no assertion criteria provided. Collection method: clinical testing. Allele origin: germline. Not counted in ClinVar's aggregate classification.

PreventionGenetics, part of Exact Sciences
Classification: Likely benign for AGL-related condition. Last evaluated: 2019-12-03. Review status: no assertion criteria provided. Collection method: clinical testing. Allele origin: germline. Not counted in ClinVar's aggregate classification.
Comment: This variant is classified as likely benign based on ACMG/AMP sequence variant interpretation guidelines (Richards et al. 2015 PMID: 25741868, with internal and published modifications).